The following is an entry in ClinVar:

NM_004380.3(CREBBP):c.3577A>T (p.Met1193Leu)

Gene: CREBBP (CREB binding lysine acetyltransferase; minus strand). Cytogenetic location: 16p13.3.
Variant type: single nucleotide variant.
Coding change: c.3577A>T on transcript NM_004380.3 (MANE Select); coding-DNA position 3577, A replaced by T.
Protein change: p.Met1193Leu; replaces methionine 1193 with leucine.
Molecular consequence: missense variant.
Genome position (GRCh38, 1-based): chr16:3,757,841, T>A on the plus strand (A>T on the coding strand, the complement: CREBBP is on the minus strand). VCF-style: chr16-3757841-T-A. GRCh37 (hg19) VCF-style: chr16-3807842-T-A.
Other names: c.3463A>T, p.Met1155Leu (NM_001079846.1); c.3577A>T (NM_004380.2); short protein forms M1155L, M1193L.
Identifiers: ClinVar variation 4741710 (VCV004741710.2).

ClinVar aggregate classification (germline): Uncertain significance. Review status: criteria provided, multiple submitters, no conflicts (2 of 4 stars). 2 submissions from 2 submitters: Uncertain significance (2). Last evaluated 2025-10-11.

Conditions:
Rubinstein-Taybi syndrome (RSTS). Identifiers: Orphanet 783, MedGen C0035934, MONDO:0019188.
CREBBP-related disorder. Also called: CREBBP-related condition; CREBBP-related disorders.

Submissions (2):

Labcorp Genetics (formerly Invitae), Labcorp
Classification: Uncertain significance for Rubinstein-Taybi syndrome. Last evaluated: 2025-10-11. Review status: criteria provided, single submitter. Criteria: Invitae Variant Classification Sherloc (09022015). Collection method: clinical testing. Allele origin: germline.
Comment: This sequence change replaces methionine, which is neutral and non-polar, with leucine, which is neutral and non-polar, at codon 1193 of the CREBBP protein (p.Met1193Leu). This variant is present in population databases (no rsID available, gnomAD 0.007%). This variant has not been reported in the literature in individuals affected with CREBBP-related conditions. Invitae Evidence Modeling of protein sequence and biophysical properties (such as structural, functional, and spatial information, amino acid conservation, physicochemical variation, residue mobility, and thermodynamic stability) indicates that this missense variant is expected to disrupt CREBBP protein function with a positive predictive value of 80%. In summary, the available evidence is currently insufficient to determine the role of this variant in disease. Therefore, it has been classified as a Variant of Uncertain Significance.

PreventionGenetics, part of Exact Sciences
Classification: Uncertain significance for CREBBP-related condition. Last evaluated: 2025-01-30. Review status: criteria provided, single submitter. Criteria: ACMG Guidelines, 2015. Collection method: clinical testing. Allele origin: germline.
Comment: The CREBBP c.3577A>T variant is predicted to result in the amino acid substitution p.Met1193Leu. To our knowledge, this variant has not been reported in the literature. This variant is reported in 0.0065% of alleles in individuals of European (Non-Finnish) descent in gnomAD. Although we suspect that this variant may be benign, the clinical significance of this variant is classified as uncertain at this time due to insufficient functional and genetic evidence.